The following is an entry in ClinVar:

ClinVar aggregate classification (germline): Likely benign (1 of 4 stars; one submission).

Conditions:
NRP1-related disorder. Also called: NRP1-related condition.

gnomAD v4.1: 15 of 1,613,908 alleles (0.00093%); highest among the groups gnomAD compares: African/African-American, 0.019%; no homozygotes.

Submission:

PreventionGenetics, part of Exact Sciences
Classification: Likely benign for NRP1-related condition. Last evaluated: 2025-04-09. Review status: criteria provided, single submitter. Criteria: ACMG Guidelines, 2015. Collection method: clinical testing. Allele origin: germline.
Comment: This variant is classified as likely benign based on ACMG/AMP sequence variant interpretation guidelines (Richards et al. 2015 PMID: 25741868, with internal and published modifications).

NM_003873.7(NRP1):c.534T>C (p.Phe178=)

Genes: NRP1 (neuropilin 1; minus strand), LOC126860910 (P300/CBP strongly-dependent group 1 enhancer GRCh37_chr10:33552654-33553853; plus strand). Cytogenetic location: 10p11.22.
Variant type: single nucleotide variant.
Coding change: c.534T>C on transcript NM_003873.7 (MANE Select); coding-DNA position 534, T replaced by C.
Protein change: p.Phe178=; no amino-acid change (phenylalanine 178 retained).
Molecular consequence: synonymous variant. On other transcripts: non-coding transcript variant (1).
Genome position (GRCh38, 1-based): chr10:33,263,770, A>G on the plus strand (T>C on the coding strand, the complement: NRP1 is on the minus strand). VCF-style: chr10-33263770-A-G. GRCh37 (hg19) VCF-style: chr10-33552698-A-G.
Other names: c.534T>C, p.Phe178= (NM_001024628.3, NM_001024629.3, NM_001244972.2 and 2 more transcripts).
Identifiers: ClinVar variation 4986936 (VCV004986936.1).